The following is an entry in ClinVar:

ClinVar aggregate classification (germline): Uncertain significance (1 of 4 stars; one submission).

Conditions:
Norman-Roberts syndrome (LIS2). Also called: Lissencephaly 2 (Norman-Roberts type). Identifiers: Orphanet 89844, MedGen C0796089, MONDO:0009760, OMIM 257320.
Familial temporal lobe epilepsy 7. Identifiers: Orphanet 101046, MedGen C4225327, MONDO:0014639, OMIM 616436.

Submission:

Labcorp Genetics (formerly Invitae), Labcorp
Classification: Uncertain significance for Familial temporal lobe epilepsy 7; Norman-Roberts syndrome. Last evaluated: 2019-08-30. Review status: criteria provided, single submitter. Criteria: Invitae Variant Classification Sherloc (09022015). Collection method: clinical testing. Allele origin: germline.
Comment: This variant is not present in population databases (ExAC no frequency). This sequence change replaces asparagine with threonine at codon 2708 of the RELN protein (p.Asn2708Thr). The asparagine residue is moderately conserved and there is a small physicochemical difference between asparagine and threonine. This variant has not been reported in the literature in individuals with RELN-related conditions. Algorithms developed to predict the effect of missense changes on protein structure and function are either unavailable or do not agree on the potential impact of this missense change (SIFT: "Deleterious"; PolyPhen-2: "Probably Damaging"; Align-GVGD: "Class C0"). In summary, the available evidence is currently insufficient to determine the role of this variant in disease. Therefore, it has been classified as a Variant of Uncertain Significance.

NM_005045.4(RELN):c.8123A>C (p.Asn2708Thr)

Genes: RELN (reelin; minus strand), SLC26A5-AS1 (SLC26A5 antisense RNA 1; plus strand). Cytogenetic location: 7q22.1.
Variant type: single nucleotide variant.
Coding change: c.8123A>C on transcript NM_005045.4 (MANE Select); coding-DNA position 8123, A replaced by C.
Protein change: p.Asn2708Thr; replaces asparagine 2708 with threonine.
Molecular consequence: missense variant.
Genome position (GRCh38, 1-based): chr7:103,511,002, T>G on the plus strand (A>C on the coding strand, the complement: RELN is on the minus strand). VCF-style: chr7-103511002-T-G. GRCh37 (hg19) VCF-style: chr7-103151449-T-G.
Other names: c.8123A>C, p.Asn2708Thr (NM_173054.3); short protein forms N2708T.
Identifiers: ClinVar variation 956263 (VCV000956263.9), dbSNP rs1829391748, ClinGen allele CA368762009.